The following is an entry in ClinVar:

ClinVar aggregate classification (germline): Likely pathogenic (1 of 4 stars; one submission).

Conditions:
KBG syndrome (KBGS). Also called: ANKRD11-Related KBG Syndrome. Identifiers: Orphanet 2332, MedGen C0220687, MONDO:0007846, OMIM 148050.

Submission:

Laboratorio de Genetica e Diagnostico Molecular, Hospital Israelita Albert Einstein
Classification: Likely pathogenic for KBG syndrome. Last evaluated: 2025-07-28. Review status: criteria provided, single submitter. Criteria: ACMG Guidelines, 2015. Collection method: clinical testing. Allele origin: germline. Affected: yes.
Comment: ACMG classification criteria: PVS1 very strong, PM2 supporting

NM_013275.6(ANKRD11):c.7437_7438del (p.Asp2479fs)

Gene: ANKRD11 (ankyrin repeat domain 11; minus strand). Cytogenetic location: 16q24.3.
Variant type: Deletion.
Coding change: c.7437_7438del on transcript NM_013275.6 (MANE Select); coding-DNA positions 7437 to 7438, 2 bases deleted (CG; older notation c.7437_7438delCG).
Protein change: p.Asp2479fs; shifts the reading frame from aspartic acid 2479.
Molecular consequence: frameshift variant.
Genome position (GRCh38, 1-based): chr16:89,279,104-89,279,105, CG deleted on the plus strand (CG on the coding strand, the reverse complement: ANKRD11 is on the minus strand). VCF-style (leftmost placement, unchanged base first): chr16-89279103-CCG-C. GRCh37 (hg19) VCF-style: chr16-89345511-CCG-C.
Other names: c.7437_7438del, p.Asp2479fs (NM_001256182.2, NM_001256183.2); short protein forms D2479fs.
Identifiers: ClinVar variation 4846842 (VCV004846842.1).
Genomic context (GRCh38, chr16:89,279,103, plus strand): 5'-GCAGTGGCTCTCCCGGGCCCCGCACTCACCACGGGGATGTGGAGCTTGCTGAGCGGCTTG[CCG>C]TCCAGGAGGTAGGAGCCCGTGTAGGTGACGTACTCGGCGTAGCACTGGGGCGCCTGCGGC-3'